The following is an entry in ClinVar:

NM_006567.5(FARS2):c.911C>T (p.Ala304Val)

Gene: FARS2 (phenylalanyl-tRNA synthetase 2, mitochondrial; plus strand). Cytogenetic location: 6p25.1.
Variant type: single nucleotide variant.
Coding change: c.911C>T on transcript NM_006567.5 (MANE Select); coding-DNA position 911, C replaced by T.
Protein change: p.Ala304Val; replaces alanine 304 with valine.
Molecular consequence: missense variant.
Genome position (GRCh38, 1-based): chr6:5,545,186, C>T. VCF-style: chr6-5545186-C-T. GRCh37 (hg19) VCF-style: chr6-5545419-C-T.
Other names: c.911C>T, p.Ala304Val (NM_001318872.2, NM_001374875.1, NM_001374876.1 and 4 more transcripts); c.779C>T, p.Ala260Val (NM_001375258.1); c.215C>T, p.Ala72Val (NM_001375259.1, NM_001375260.1); short protein forms A260V, A304V, A72V.
Identifiers: ClinVar variation 3714843 (VCV003714843.2).

ClinVar aggregate classification (germline): Uncertain significance (1 of 4 stars; one submission).

Conditions:
Combined oxidative phosphorylation defect type 14. Also called: Combined oxidative phosphorylation deficiency 14. Identifiers: Orphanet 319519, MedGen C4755312, MONDO:0013986, OMIM 614946.

gnomAD v4.1: 29 of 1,613,612 alleles (0.0018%); highest among the groups gnomAD compares: South Asian, 0.026%; no homozygotes.

Submission:

Labcorp Genetics (formerly Invitae), Labcorp
Classification: Uncertain significance for Combined oxidative phosphorylation defect type 14. Last evaluated: 2024-12-30. Review status: criteria provided, single submitter. Criteria: Invitae Variant Classification Sherloc (09022015). Collection method: clinical testing. Allele origin: germline.
Comment: This sequence change replaces alanine, which is neutral and non-polar, with valine, which is neutral and non-polar, at codon 304 of the FARS2 protein (p.Ala304Val). This variant is present in population databases (rs757387342, gnomAD 0.02%). This variant has not been reported in the literature in individuals affected with FARS2-related conditions. Invitae Evidence Modeling of protein sequence and biophysical properties (such as structural, functional, and spatial information, amino acid conservation, physicochemical variation, residue mobility, and thermodynamic stability) indicates that this missense variant is not expected to disrupt FARS2 protein function with a negative predictive value of 80%. In summary, the available evidence is currently insufficient to determine the role of this variant in disease. Therefore, it has been classified as a Variant of Uncertain Significance.